The following is an entry in ClinVar:

NM_000384.3(APOB):c.12930A>G (p.Ile4310Met)

Gene: APOB (apolipoprotein B; minus strand). Cytogenetic location: 2p24.1.
Variant type: single nucleotide variant.
Coding change: c.12930A>G on transcript NM_000384.3 (MANE Select); coding-DNA position 12930, A replaced by G.
Protein change: p.Ile4310Met; replaces isoleucine 4310 with methionine.
Molecular consequence: missense variant.
Genome position (GRCh38, 1-based): chr2:21,002,492, T>C on the plus strand (A>G on the coding strand, the complement: APOB is on the minus strand). VCF-style: chr2-21002492-T-C. GRCh37 (hg19) VCF-style: chr2-21225364-T-C.
Other names: short protein forms I4310M.
Identifiers: ClinVar variation 927900 (VCV000927900.4), dbSNP rs1424419652, ClinGen allele CA345970177.
Genomic context (GRCh38, chr2:21,002,492, plus strand): 5'-TTGGATATAATTAATAAGATAAGTAAATTTCATCTCTTTCAGCTGTTTAATGTTATCTTC[T>C]ATTAGTTGGAAAATGAATTGTAAAAGGTCCTGAAGATTACGTAGCACCTCTGTGGTCTTG-3'
Protein context (NP_000375.3, residues 4300-4320): QDLLQFIFQL[Ile4310Met]EDNIKQLKEM

ClinVar aggregate classification (germline): Uncertain significance (1 of 4 stars; one submission).

Conditions:
Cardiovascular phenotype. Identifiers: MedGen CN230736.

Allele frequency attached by ClinVar (database versions not stated): gnomAD exomes 0.00001.

Submission:

Ambry Genetics
Classification: Uncertain significance for Cardiovascular phenotype. Last evaluated: 2021-08-02. Review status: criteria provided, single submitter. Criteria: Ambry Variant Classification Scheme 2023. Collection method: clinical testing. Allele origin: germline.
Comment: The p.I4310M variant (also known as c.12930A>G), located in coding exon 29 of the APOB gene, results from an A to G substitution at nucleotide position 12930. The isoleucine at codon 4310 is replaced by methionine, an amino acid with highly similar properties. This amino acid position is conserved. In addition, this alteration is predicted to be tolerated by in silico analysis. Since supporting evidence is limited at this time, the clinical significance of this alteration remains unclear.